The following is an entry in ClinVar:

ClinVar aggregate classification (germline): Pathogenic (1 of 4 stars; one submission).

Submission:

Labcorp Genetics (formerly Invitae), Labcorp
Classification: Pathogenic. Last evaluated: 2022-10-30. Review status: criteria provided, single submitter. Criteria: Invitae Variant Classification Sherloc (09022015). Collection method: clinical testing. Allele origin: germline.
Comment: This sequence change creates a premature translational stop signal (p.Trp333*) in the CACNA1B gene. It is expected to result in an absent or disrupted protein product. Loss-of-function variants in CACNA1B are known to be pathogenic (PMID: 30982612). This variant is not present in population databases (gnomAD no frequency). This variant has not been reported in the literature in individuals affected with CACNA1B-related conditions. For these reasons, this variant has been classified as Pathogenic.

Literature cited by the submitters: PubMed 30982612.

NM_000718.4(CACNA1B):c.999G>A (p.Trp333Ter)

Gene: CACNA1B (calcium voltage-gated channel subunit alpha1 B; plus strand). Cytogenetic location: 9q34.3.
Variant type: single nucleotide variant.
Coding change: c.999G>A on transcript NM_000718.4 (MANE Select); coding-DNA position 999, G replaced by A.
Protein change: p.Trp333Ter; replaces tryptophan 333 with a stop codon.
Molecular consequence: nonsense.
Genome position (GRCh38, 1-based): chr9:137,952,306, G>A. VCF-style: chr9-137952306-G-A. GRCh37 (hg19) VCF-style: chr9-140846758-G-A.
Other names: c.999G>A, p.Trp333Ter (NM_001243812.2); short protein forms W333*.
Identifiers: ClinVar variation 2810711 (VCV002810711.3), dbSNP rs1554737534, ClinGen allele CA375800403.